The following is an entry in ClinVar:

NM_001395159.1(UNC79):c.6425T>C (p.Val2142Ala)

Gene: UNC79 (unc-79 subunit of NALCN channel complex; plus strand). Cytogenetic location: 14q32.12.
Variant type: single nucleotide variant.
Coding change: c.6425T>C on transcript NM_001395159.1 (MANE Select); coding-DNA position 6425, T replaced by C.
Protein change: p.Val2142Ala; replaces valine 2142 with alanine.
Molecular consequence: missense variant.
Genome position (GRCh38, 1-based): chr14:93,653,750, T>C. VCF-style: chr14-93653750-T-C. GRCh37 (hg19) VCF-style: chr14-94120096-T-C.
Other names: c.6359T>C, p.Val2120Ala (NM_001346218.2); c.5678T>C, p.Val1893Ala (NM_020818.5); short protein forms V1893A, V2120A, V2142A.
Identifiers: ClinVar variation 4536551 (VCV004536551.1).
Genomic context (GRCh38, chr14:93,653,750, plus strand): 5'-ACCTGCTCACTGGCCCATGACTTCGTGTCTTTTCTCCCCTGTTCAACTCCAGCATGATGG[T>C]TCCCGGCAATGCGGCGGGGGTGGCCAAGCAGTTCCTGCGCTGCATCTTCCATCAGTTGGC-3'
Protein context (NP_001382088.1, residues 2132-2152): TFSNQAESMM[Val2142Ala]PGNAAGVAKQ

ClinVar aggregate classification (germline): Uncertain significance (1 of 4 stars; one submission).

gnomAD v4.1: 2 of 1,613,236 alleles (0.00012%); highest among the groups gnomAD compares: Non-Finnish European, 0.00017%; no homozygotes.

Submission:

GeneDx
Classification: Uncertain significance. Last evaluated: 2025-06-03. Review status: criteria provided, single submitter. Criteria: GeneDx Variant Classification Process June 2021. Collection method: clinical testing. Allele origin: germline. Affected: yes.
Comment: Not observed at significant frequency in large population cohorts (gnomAD); In silico analysis suggests that this missense variant does not alter protein structure/function; Has not been previously published as pathogenic or benign to our knowledge